The following is an entry in ClinVar:

NM_005633.4(SOS1):c.14A>C (p.Gln5Pro)

Genes: SOS1 (SOS Ras/Rac guanine nucleotide exchange factor 1; minus strand), LOC129933535 (ATAC-STARR-seq lymphoblastoid silent region 11384; plus strand). Cytogenetic location: 2p22.1.
Variant type: single nucleotide variant.
Coding change: c.14A>C on transcript NM_005633.4 (MANE Select); coding-DNA position 14, A replaced by C.
Protein change: p.Gln5Pro; replaces glutamine 5 with proline.
Molecular consequence: missense variant. On other transcripts: intron variant (1).
Genome position (GRCh38, 1-based): chr2:39,120,409, T>G on the plus strand (A>C on the coding strand, the complement: SOS1 is on the minus strand). VCF-style: chr2-39120409-T-G. GRCh37 (hg19) VCF-style: chr2-39347550-T-G.
Other names: c.14A>C, p.Gln5Pro (NM_001382395.1); c.66+4255A>C (NM_001382394.1); short protein forms Q5P.
Identifiers: ClinVar variation 4614975 (VCV004614975.1).

ClinVar aggregate classification (germline): Uncertain significance (1 of 4 stars; one submission).

Conditions:
Cardiovascular phenotype. Identifiers: MedGen CN230736.

Submission:

Ambry Genetics
Classification: Uncertain significance for Cardiovascular phenotype. Last evaluated: 2025-10-23. Review status: criteria provided, single submitter. Criteria: Ambry Variant Classification Scheme 2023. Collection method: clinical testing. Allele origin: germline.
Comment: The p.Q5P variant (also known as c.14A>C), located in coding exon 1 of the SOS1 gene, results from an A to C substitution at nucleotide position 14. The glutamine at codon 5 is replaced by proline, an amino acid with similar properties. This amino acid position is conserved. In addition, this alteration is predicted to be tolerated by in silico analysis. Based on the available evidence, the clinical significance of this variant remains unclear.